The following is an entry in ClinVar:

ClinVar aggregate classification (germline): Uncertain significance (1 of 4 stars; one submission).

Conditions:
Hereditary cancer-predisposing syndrome. Also called: Neoplastic Syndromes, Hereditary; Tumor predisposition; Hereditary neoplastic syndrome; Hereditary Cancer Syndrome. Identifiers: Orphanet 140162, MedGen C0027672, MeSH D009386, MONDO:0015356.

Submission:

Ambry Genetics
Classification: Uncertain significance for Hereditary cancer-predisposing syndrome. Last evaluated: 2023-11-28. Review status: criteria provided, single submitter. Criteria: Ambry Variant Classification Scheme 2023. Collection method: clinical testing. Allele origin: germline.
Comment: The p.L600V variant (also known as c.1798C>G), located in coding exon 9 of the MEN1 gene, results from a C to G substitution at nucleotide position 1798. The leucine at codon 600 is replaced by valine, an amino acid with highly similar properties. This amino acid position is conserved. In addition, the in silico prediction for this alteration is inconclusive. Since supporting evidence is limited at this time, the clinical significance of this alteration remains unclear.

NM_001370259.2(MEN1):c.1798C>G (p.Leu600Val)

Gene: MEN1 (menin 1; minus strand). Cytogenetic location: 11q13.1.
Variant type: single nucleotide variant.
Coding change: c.1798C>G on transcript NM_001370259.2 (MANE Select); coding-DNA position 1798, C replaced by G.
Protein change: p.Leu600Val; replaces leucine 600 with valine.
Molecular consequence: missense variant. On other transcripts: non-coding transcript variant (4).
Genome position (GRCh38, 1-based): chr11:64,804,369, G>C on the plus strand (C>G on the coding strand, the complement: MEN1 is on the minus strand). VCF-style: chr11-64804369-G-C. GRCh37 (hg19) VCF-style: chr11-64571841-G-C.
Other names: c.1813C>G, p.Leu605Val (NM_000244.4, NM_001407145.1, NM_130800.3 and 4 more transcripts); c.1924C>G, p.Leu642Val (NM_001370251.2, NM_001407142.1, NM_001407143.1 and 1 more transcripts); c.1798C>G, p.Leu600Val (NM_001370260.2, NM_001370261.2, NM_001407146.1 and 2 more transcripts); c.1693C>G, p.Leu565Val (NM_001370262.2, NM_001370263.2, NM_001407148.1 and 1 more transcripts); c.1939C>G, p.Leu647Val (NM_001407150.1); c.1819C>G, p.Leu607Val (NM_001407151.1); c.1633C>G, p.Leu545Val (NM_001407152.1); short protein forms L545V, L565V, L600V, L605V, L607V, L642V, L647V.
Identifiers: ClinVar variation 3229087 (VCV003229087.1), dbSNP rs2136077489, ClinGen allele CA381177192.